The following is an entry in ClinVar:

ClinVar aggregate classification (germline): Uncertain significance (1 of 4 stars; one submission).

Submission:

GeneDx
Classification: Uncertain significance. Last evaluated: 2020-01-14. Review status: criteria provided, single submitter. Criteria: GeneDx Variant Classification Process June 2021. Collection method: clinical testing. Allele origin: germline. Affected: yes.
Comment: Not observed in large population cohorts (Lek et al., 2016); In silico analysis, which includes protein predictors and evolutionary conservation, supports that this variant does not alter protein structure/function; Has not been previously published as pathogenic or benign to our knowledge

NM_000834.5(GRIN2B):c.3208T>C (p.Tyr1070His)

Gene: GRIN2B (glutamate ionotropic receptor NMDA type subunit 2B; minus strand). Cytogenetic location: 12p13.1.
Variant type: single nucleotide variant.
Coding change: c.3208T>C on transcript NM_000834.5 (MANE Select); coding-DNA position 3208, T replaced by C.
Protein change: p.Tyr1070His; replaces tyrosine 1070 with histidine.
Molecular consequence: missense variant.
Genome position (GRCh38, 1-based): chr12:13,564,030, A>G on the plus strand (T>C on the coding strand, the complement: GRIN2B is on the minus strand). VCF-style: chr12-13564030-A-G. GRCh37 (hg19) VCF-style: chr12-13716964-A-G.
Other names: short protein forms Y1070H.
Identifiers: ClinVar variation 1311899 (VCV001311899.2), dbSNP rs2136405228, ClinGen allele CA383990446.